The following is an entry in ClinVar:

NM_020928.2(ZSWIM6):c.492_515del (p.Thr167_Ala174del)

Gene: ZSWIM6 (zinc finger SWIM-type containing 6; plus strand). Cytogenetic location: 5q12.1.
Variant type: Deletion.
Coding change: c.492_515del on transcript NM_020928.2 (MANE Select); coding-DNA positions 492 to 515, 24 bases deleted (GGCCGCAACCTCGGCCGCCGCCGC).
Protein change: p.Thr167_Ala174del.
Molecular consequence: inframe deletion.
Genome position (GRCh38, 1-based): chr5:61,332,764-61,332,787, GGCCGCAACCTCGGCCGCCGCCGC deleted; deleting any 24 consecutive bases within chr5:61,332,762-61,332,787 gives the same sequence; the c. name uses the placement nearest the transcript's 3' end. VCF-style (leftmost placement, unchanged base first): chr5-61332761-GGCGGCCGCAACCTCGGCCGCCGCC-G. GRCh37 (hg19) VCF-style: chr5-60628588-GGCGGCCGCAACCTCGGCCGCCGCC-G.
Identifiers: ClinVar variation 1987402 (VCV001987402.4), dbSNP rs1349744982, ClinGen allele CA812782073.

ClinVar aggregate classification (germline): Uncertain significance (1 of 4 stars; one submission).

Submission:

Labcorp Genetics (formerly Invitae), Labcorp
Classification: Uncertain significance. Last evaluated: 2020-11-27. Review status: criteria provided, single submitter. Criteria: Invitae Variant Classification Sherloc (09022015). Collection method: clinical testing. Allele origin: germline.
Comment: This variant, c.492_515del, results in the deletion of 8 amino acid(s) of the ZSWIM6 protein (p.Thr167_Ala174del), but otherwise preserves the integrity of the reading frame. The frequency data for this variant in the population databases is considered unreliable, as metrics indicate insufficient coverage at this position in the ExAC database. This variant has not been reported in the literature in individuals with ZSWIM6-related conditions. Experimental studies and prediction algorithms are not available or were not evaluated, and the functional significance of this variant is currently unknown. In summary, the available evidence is currently insufficient to determine the role of this variant in disease. Therefore, it has been classified as a Variant of Uncertain Significance.